The following is an entry in ClinVar:

NM_002336.3(LRP6):c.259C>G (p.Gln87Glu)

Gene: LRP6 (LDL receptor related protein 6; minus strand). Cytogenetic location: 12p13.2.
Variant type: single nucleotide variant.
Coding change: c.259C>G on transcript NM_002336.3 (MANE Select); coding-DNA position 259, C replaced by G.
Protein change: p.Gln87Glu; replaces glutamine 87 with glutamic acid.
Molecular consequence: missense variant.
Genome position (GRCh38, 1-based): chr12:12,244,452, G>C on the plus strand (C>G on the coding strand, the complement: LRP6 is on the minus strand). VCF-style: chr12-12244452-G-C. GRCh37 (hg19) VCF-style: chr12-12397386-G-C.
Other names: short protein forms Q87E.
Identifiers: ClinVar variation 1377486 (VCV001377486.6), dbSNP rs753303745, ClinGen allele CA6455913.
Genomic context (GRCh38, chr12:12,244,452, plus strand): 5'-CTCCAAGCCAATCACATGCCAGCCCATCGGGGGACAATAATCCAGAAACAACAACATTCT[G>C]CACACTCTCAGTTTTGTTAAATTCTGTTCGTTTAATGGCTTCTTCGCTGACATCACTCCA-3'
Protein context (NP_002327.2, residues 77-97): RTEFNKTESV[Gln87Glu]NVVVSGLLSP

ClinVar aggregate classification (germline): Uncertain significance (1 of 4 stars; one submission).

Allele frequency attached by ClinVar (database versions not stated): ExAC 0.00001; gnomAD exomes 0.00001; TOPMed 0.00001.
gnomAD v4.1: 3 of 1,614,114 alleles (0.00019%); highest among the groups gnomAD compares: Admixed American, 0.005%; no homozygotes.

Submission:

Labcorp Genetics (formerly Invitae), Labcorp
Classification: Uncertain significance. Last evaluated: 2021-09-09. Review status: criteria provided, single submitter. Criteria: Invitae Variant Classification Sherloc (09022015). Collection method: clinical testing. Allele origin: germline.
Comment: Algorithms developed to predict the effect of missense changes on protein structure and function (SIFT, PolyPhen-2, Align-GVGD) all suggest that this variant is likely to be tolerated. In summary, the available evidence is currently insufficient to determine the role of this variant in disease. Therefore, it has been classified as a Variant of Uncertain Significance. This variant has not been reported in the literature in individuals affected with LRP6-related conditions. This variant is present in population databases (rs753303745, ExAC 0.009%). This sequence change replaces glutamine with glutamic acid at codon 87 of the LRP6 protein (p.Gln87Glu). The glutamine residue is highly conserved and there is a small physicochemical difference between glutamine and glutamic acid.